The following is an entry in ClinVar:

ClinVar aggregate classification (germline): Likely benign. Review status: criteria provided, multiple submitters, no conflicts (2 of 4 stars). 2 submissions from 2 submitters: Likely benign (2). Last evaluated 2026-06-22.

Conditions:
Retinoblastoma (RB1). Also called: RETINOBLASTOMA, SOMATIC. Identifiers: Orphanet 790, MedGen C0035335, MeSH D012175, MONDO:0008380, OMIM 180200, HP:0009919. Disease mechanism: loss of function. Inheritance: Both sporadic and heritable forms are tested..

Allele frequency attached by ClinVar (database versions not stated): gnomAD exomes 0.00001; ExAC 0.00002.

Submissions (2):

Myriad Genetics, Inc.
Classification: Likely benign for Retinoblastoma. Last evaluated: 2026-06-22. Review status: criteria provided, single submitter. Criteria: Myriad Autosomal Dominant, Autosomal Recessive and X-Linked Classification Criteria (2023). Collection method: clinical testing. Allele origin: unknown.
Comment: This variant is considered likely benign. This variant is intronic and is not expected to impact mRNA splicing.

Labcorp Genetics (formerly Invitae), Labcorp
Classification: Likely benign for Retinoblastoma. Last evaluated: 2025-08-07. Review status: criteria provided, single submitter. Criteria: Invitae Variant Classification Sherloc (09022015). Collection method: clinical testing. Allele origin: germline.

NM_000321.3(RB1):c.2107-17A>T

Gene: RB1 (RB transcriptional corepressor 1; plus strand). Cytogenetic location: 13q14.2.
Variant type: single nucleotide variant.
Coding change: c.2107-17A>T on transcript NM_000321.3 (MANE Select); 17 bases into the intron before coding-DNA position 2107, A replaced by T.
Molecular consequence: intron variant.
Genome position (GRCh38, 1-based): chr13:48,463,714, A>T. VCF-style: chr13-48463714-A-T. GRCh37 (hg19) VCF-style: chr13-49037850-A-T.
Identifiers: ClinVar variation 1528517 (VCV001528517.9), dbSNP rs775406051, ClinGen allele CA034245.
Genomic context (GRCh38, chr13:48,463,714, plus strand): 5'-AGAAAGAAAATGGTATTTTTTAAGAACAAAACCATGTAATAAAATTCTGACTACTTTTAC[A>T]TCAATTTATTTACTAGATTATGATGTGTTCCATGTATGGCATATGCAAAGTGAAGAATAT-3'